The following is an entry in ClinVar:

ClinVar aggregate classification (germline): Uncertain significance. Review status: criteria provided, multiple submitters, no conflicts (2 of 4 stars). 6 submissions from 6 submitters: Uncertain significance (5). 1 of the submissions does not count toward it. Last evaluated 2025-11-08.

Conditions:
MYO7A-related disorder. Also called: MYO7A-related disorders.
Inborn genetic diseases. Identifiers: MedGen C0950123, MeSH D030342.
Autosomal recessive nonsyndromic hearing loss 2. Also called: DEAFNESS, AUTOSOMAL RECESSIVE 2; NEUROSENSORY NONSYNDROMIC RECESSIVE DEAFNESS 2. Identifiers: Orphanet 90636, MedGen C1838701, MONDO:0010807, OMIM 600060.

Allele frequency attached by ClinVar (database versions not stated): TOPMed below 0.00001; gnomAD exomes 0.00001; ExAC 0.00002.
gnomAD v4.1: 21 of 1,613,340 alleles (0.0013%); highest among the groups gnomAD compares: South Asian, 0.0044%; no homozygotes.

Submissions (6):

Labcorp Genetics (formerly Invitae), Labcorp
Classification: Uncertain significance. Last evaluated: 2025-11-08. Review status: criteria provided, single submitter. Criteria: Invitae Variant Classification Sherloc (09022015). Collection method: clinical testing. Allele origin: germline.
Comment: This sequence change replaces arginine, which is basic and polar, with glutamine, which is neutral and polar, at codon 1020 of the MYO7A protein (p.Arg1020Gln). This variant is present in population databases (rs781828913, gnomAD 0.006%). This missense change has been observed in individual(s) with MYO7A-related conditions (PMID: 36515421). ClinVar contains an entry for this variant (Variation ID: 2383332). Invitae Evidence Modeling of protein sequence and biophysical properties (such as structural, functional, and spatial information, amino acid conservation, physicochemical variation, residue mobility, and thermodynamic stability) indicates that this missense variant is not expected to disrupt MYO7A protein function with a negative predictive value of 95%. In summary, the available evidence is currently insufficient to determine the role of this variant in disease. Therefore, it has been classified as a Variant of Uncertain Significance.

GeneDx
Classification: Uncertain significance. Last evaluated: 2025-07-16. Review status: criteria provided, single submitter. Criteria: GeneDx Variant Classification Process June 2021. Collection method: clinical testing. Allele origin: germline.
Comment: Reported in a patient with asymmetric hearing loss in published hearing loss (PMID: 36515421); In silico analysis supports that this missense variant has a deleterious effect on protein structure/function; This variant is associated with the following publications: (PMID: 36515421)

Blueprint Genetics
Classification: Uncertain significance. Last evaluated: 2024-11-06. Review status: criteria provided, single submitter. Criteria: ACMG Guidelines, 2015. Collection method: clinical testing. Allele origin: germline.

Ambry Genetics
Classification: Uncertain significance for Inborn genetic diseases. Last evaluated: 2021-06-22. Review status: criteria provided, single submitter. Criteria: Ambry Variant Classification Scheme 2023. Collection method: clinical testing. Allele origin: germline.

Victorian Clinical Genetics Services, Murdoch Childrens Research Institute
Classification: Uncertain significance for Autosomal recessive nonsyndromic hearing loss 2. Last evaluated: 2020-05-25. Review status: criteria provided, single submitter. Criteria: ACMG Guidelines, 2015. Collection method: clinical testing. Allele origin: germline. Inheritance: Autosomal recessive inheritance.
Comment: Based on the classification scheme VCGS_Germline_v1.1.1, this variant is classified as VUS - 3B. Following criteria are met: 0102 - Loss-of-function is a known mechanism of disease for this gene. (N) 0108 - This gene is known to be associated with both recessive and dominant disease. (N) 0200 - Variant is predicted to result in a missense amino acid change from arginine to glutamine (exon 24). (N) 0251 - Variant is heterozygous. (N) 0304 - Variant is present in gnomAD <0.01 for a recessive condition (4 Heterozygotes, 0 Homozygotes). (P) 0502 - Missense variant with conflicting in-silico predictions and/or uninformative conservation. (N) 0600 - Variant is located in an annotated domain or motif (PDB, NCBI). (N) 0705 - A comparable variant has been previously reported as a VUS (Deafnessvariationdatabase). (N) 0807 – This variant has been previously reported as a VUS (Deafnessvariationdatabase). (N) 0905 - No segregation evidence has been identified for this variant. (N) 1007 - No published functional evidence has been identified for this variant. (N) 1208 - Inheritance information for this variant is not currently available. (N) Legend: (P) - Pathogenic, (N) - Neutral, (B) - Benign

PreventionGenetics, part of Exact Sciences
Classification: Uncertain significance for MYO7A-related condition. Last evaluated: 2024-09-14. Review status: no assertion criteria provided. Collection method: clinical testing. Allele origin: germline. Not counted in ClinVar's aggregate classification.
Comment: The MYO7A c.3059G>A variant is predicted to result in the amino acid substitution p.Arg1020Gln. This variant was reported in an individual with hearing loss (Table S2, Perry et al. 2022. PubMed ID: 36515421). This variant is reported in 0.0065% of alleles in individuals of South Asian descent in gnomAD. At this time, the clinical significance of this variant is uncertain due to the absence of conclusive functional and genetic evidence.

Literature cited by the submitters: PubMed 36515421 (cited by Labcorp Genetics (formerly Invitae), Labcorp).

NM_000260.4(MYO7A):c.3059G>A (p.Arg1020Gln)

Gene: MYO7A (myosin VIIA; plus strand). Cytogenetic location: 11q13.5.
Variant type: single nucleotide variant.
Coding change: c.3059G>A on transcript NM_000260.4 (MANE Select); coding-DNA position 3059, G replaced by A.
Protein change: p.Arg1020Gln; replaces arginine 1020 with glutamine.
Molecular consequence: missense variant.
Genome position (GRCh38, 1-based): chr11:77,182,105, G>A. VCF-style: chr11-77182105-G-A. GRCh37 (hg19) VCF-style: chr11-76893151-G-A.
Other names: c.3059G>A, p.Arg1020Gln (NM_001127180.2); c.3026G>A, p.Arg1009Gln (NM_001369365.1); short protein forms R1020Q, R1009Q.
Identifiers: ClinVar variation 2383332 (VCV002383332.8), dbSNP rs781828913, ClinGen allele CA224841775.